The following is an entry in ClinVar:

NM_013432.5(TONSL):c.3166C>T (p.Gln1056Ter)

Gene: TONSL (tonsoku like, DNA repair protein; minus strand). Cytogenetic location: 8q24.3.
Variant type: single nucleotide variant.
Coding change: c.3166C>T on transcript NM_013432.5 (MANE Select); coding-DNA position 3166, C replaced by T.
Protein change: p.Gln1056Ter; replaces glutamine 1056 with a stop codon.
Molecular consequence: nonsense.
Genome position (GRCh38, 1-based): chr8:144,434,199, G>A on the plus strand (C>T on the coding strand, the complement: TONSL is on the minus strand). VCF-style: chr8-144434199-G-A. GRCh37 (hg19) VCF-style: chr8-145659582-G-A.
Other names: short protein forms Q1056*.
Identifiers: ClinVar variation 3382171 (VCV003382171.2).
Genomic context (GRCh38, chr8:144,434,199, plus strand): 5'-GCAGCTCCCGGAGTGCTGTGTGCAGCTTGAGGGCCCGCAGCAGGGGTGTAAGCTGGGCCT[G>A]GTCCAGGGCCAGGGAGCAGGCGCTGAACGAGAGGCCCAAGCCCTGGAGCTCCACGGCCTG-3'

ClinVar aggregate classification (germline): Likely pathogenic (1 of 4 stars; one submission).

Conditions:
Sponastrime dysplasia. Also called: SPONDYLAR AND NASAL ALTERATIONS WITH STRIATED METAPHYSES. Identifiers: Orphanet 93357, MedGen C1300260, MONDO:0010068, OMIM 271510.

Submission:

Juno Genomics, Hangzhou Juno Genomics, Inc
Classification: Likely pathogenic for Sponastrime dysplasia. Review status: criteria provided, single submitter. Criteria: ACMG Guidelines, 2015. Collection method: clinical testing. Allele origin: germline. Affected: yes.
Comment: Absent from controls (or at extremely low frequency if recessive) in Genome Aggregation Database, Exome Sequencing Project, 1000 Genomes Project, or Exome Aggregation Consortium.;Null variant in a gene where loss of function (LOF) is a known mechanism of disease.